The following is an entry in ClinVar:

NC_000007.14:g.128775748T>G

Gene: OPN1SW (opsin 1, short wave sensitive; minus strand). Cytogenetic location: 7q32.1.
Variant type: single nucleotide variant.
Genome position: GRCh38 VCF-style: chr7-128775748-T-G. GRCh37 (hg19) VCF-style: chr7-128415802-T-G.
Other names: NM_001708.2:c.43A>C.
Identifiers: ClinVar variation 858768 (VCV000858768.12), dbSNP rs200504235, ClinGen allele CA4473070.

ClinVar aggregate classification (germline): Conflicting classifications of pathogenicity. Review status: criteria provided, conflicting classifications (1 of 4 stars). 3 submissions from 3 submitters: Uncertain significance (2); Likely benign (1). Last evaluated 2025-10-01.

Allele frequency attached by ClinVar (database versions not stated): ESP Exome Variant Server 0.00008; gnomAD 0.00009 and 0.00010; TOPMed 0.00009; 1000 Genomes Project 30x 0.00016; 1000 Genomes Project 0.00020.
gnomAD v4.1: 107 of 1,614,150 alleles (0.0066%); highest among the groups gnomAD compares: African/African-American, 0.028%; no homozygotes.

Submissions (3):

Labcorp Genetics (formerly Invitae), Labcorp
Classification: Uncertain significance. Last evaluated: 2025-10-01. Review status: criteria provided, single submitter. Criteria: Invitae Variant Classification Sherloc (09022015). Collection method: clinical testing. Allele origin: germline.
Comment: This sequence change replaces isoleucine, which is neutral and non-polar, with leucine, which is neutral and non-polar, at codon 15 of the OPN1SW protein (p.Ile15Leu). This variant is present in population databases (rs200504235, gnomAD 0.04%), and has an allele count higher than expected for a pathogenic variant. This variant has not been reported in the literature in individuals affected with OPN1SW-related conditions. ClinVar contains an entry for this variant (Variation ID: 858768). An algorithm developed to predict the effect of missense changes on protein structure and function outputs the following: PolyPhen-2: "Benign". The leucine amino acid residue is found in multiple mammalian species, which suggests that this missense change does not adversely affect protein function. In summary, the available evidence is currently insufficient to determine the role of this variant in disease. Therefore, it has been classified as a Variant of Uncertain Significance.

Blueprint Genetics
Classification: Likely benign. Last evaluated: 2024-07-05. Review status: criteria provided, single submitter. Criteria: ACMG Guidelines, 2015. Collection method: clinical testing. Allele origin: germline.

Ambry Genetics
Classification: Uncertain significance. Last evaluated: 2023-05-04. Review status: criteria provided, single submitter. Criteria: Ambry Variant Classification Scheme 2023. Collection method: clinical testing. Allele origin: germline.